The following is an entry in ClinVar:

NM_001142800.2(EYS):c.6316G>T (p.Asp2106Tyr)

Gene: EYS (EGF-like photoreceptor maintenance factor; minus strand). Cytogenetic location: 6q12.
Variant type: single nucleotide variant.
Coding change: c.6316G>T on transcript NM_001142800.2 (MANE Select); coding-DNA position 6316, G replaced by T.
Protein change: p.Asp2106Tyr; replaces aspartic acid 2106 with tyrosine.
Molecular consequence: missense variant.
Genome position (GRCh38, 1-based): chr6:64,230,700, C>A on the plus strand (G>T on the coding strand, the complement: EYS is on the minus strand). VCF-style: chr6-64230700-C-A. GRCh37 (hg19) VCF-style: chr6-64940593-C-A.
Other names: c.6316G>T (NM_001142800.1); c.6316G>T, p.Asp2106Tyr (NM_001292009.2); short protein forms D2106Y.
Identifiers: ClinVar variation 1026338 (VCV001026338.7), dbSNP rs369266984, ClinGen allele CA3876930.
Genomic context (GRCh38, chr6:64,230,700, plus strand): 5'-ATGACACTATGCCACTGGAGAGGAAGATGGCATGGCATGTGCCTCCATTGTGGCATACAT[C>A]CTGCTGGCACACAGAGGGTGCTGCAACAGAGGGGCTGACAGAAGTCCACATGGTATCAAC-3'
Protein context (NP_001136272.1, residues 2096-2116): SVAAPSVCQQ[Asp2106Tyr]VCHNGGTCHA

ClinVar aggregate classification (germline): Uncertain significance. Review status: criteria provided, multiple submitters, no conflicts (2 of 4 stars). 4 submissions from 4 submitters: Uncertain significance (3). 1 of the submissions does not count toward it. Last evaluated 2025-11-13.

Conditions:
Inborn genetic diseases. Identifiers: MedGen C0950123, MeSH D030342.
EYS-related disorder. Also called: EYS-related condition.
Retinitis pigmentosa 25 (RP25). Identifiers: Orphanet 791, MedGen C1864446, MONDO:0011272, OMIM 602772.

Allele frequency attached by ClinVar (database versions not stated): gnomAD 0.00001; gnomAD exomes 0.00002 and 0.00004; TOPMed 0.00002; ExAC 0.00005; ESP Exome Variant Server 0.00022.
gnomAD v4.1: 51 of 1,551,432 alleles (0.0033%); highest among the groups gnomAD compares: Non-Finnish European, 0.0044%; no homozygotes.

Submissions (4):

Ambry Genetics
Classification: Uncertain significance for Inborn genetic diseases. Last evaluated: 2025-11-13. Review status: criteria provided, single submitter. Criteria: Ambry Variant Classification Scheme 2023. Collection method: clinical testing. Allele origin: germline.

PreventionGenetics, part of Exact Sciences
Classification: Uncertain significance for EYS-related condition. Last evaluated: 2024-10-17. Review status: criteria provided, single submitter. Criteria: ACMG Guidelines, 2015. Collection method: clinical testing. Allele origin: germline.
Comment: The EYS c.6316G>T variant is predicted to result in the amino acid substitution p.Asp2106Tyr. To our knowledge, this variant has not been reported in the literature. This variant is reported in 0.0051% of alleles in individuals of European (Non-Finnish) descent in gnomAD. At this time, the clinical significance of this variant is uncertain due to the absence of conclusive functional and genetic evidence.

Labcorp Genetics (formerly Invitae), Labcorp
Classification: Uncertain significance. Last evaluated: 2022-03-01. Review status: criteria provided, single submitter. Criteria: Invitae Variant Classification Sherloc (09022015). Collection method: clinical testing. Allele origin: germline.
Comment: This sequence change replaces aspartic acid, which is acidic and polar, with tyrosine, which is neutral and polar, at codon 2106 of the EYS protein (p.Asp2106Tyr). This variant is present in population databases (rs369266984, gnomAD 0.007%). This variant has not been reported in the literature in individuals affected with EYS-related conditions. ClinVar contains an entry for this variant (Variation ID: 1026338). Algorithms developed to predict the effect of missense changes on protein structure and function (SIFT, PolyPhen-2, Align-GVGD) all suggest that this variant is likely to be tolerated. Algorithms developed to predict the effect of sequence changes on RNA splicing suggest that this variant may create or strengthen a splice site. In summary, the available evidence is currently insufficient to determine the role of this variant in disease. Therefore, it has been classified as a Variant of Uncertain Significance.

Natera, Inc.
Classification: Uncertain significance for Retinitis pigmentosa type 25. Last evaluated: 2020-01-31. Review status: no assertion criteria provided. Collection method: clinical testing. Allele origin: germline. Not counted in ClinVar's aggregate classification.